The following is an entry in ClinVar:

NM_000601.6(HGF):c.1272T>C (p.Arg424=)

Gene: HGF (hepatocyte growth factor; minus strand). Cytogenetic location: 7q21.11.
Variant type: single nucleotide variant.
Coding change: c.1272T>C on transcript NM_000601.6 (MANE Select); coding-DNA position 1272, T replaced by C.
Protein change: p.Arg424=; no amino-acid change (arginine 424 retained).
Molecular consequence: synonymous variant.
Genome position (GRCh38, 1-based): chr7:81,717,365, A>G on the plus strand (T>C on the coding strand, the complement: HGF is on the minus strand). VCF-style: chr7-81717365-A-G. GRCh37 (hg19) VCF-style: chr7-81346681-A-G.
Other names: c.1257T>C, p.Arg419= (NM_001010932.3).
Identifiers: ClinVar variation 2022238 (VCV002022238.4), dbSNP rs2535241668, ClinGen allele CA456129136.

ClinVar aggregate classification (germline): Uncertain significance (1 of 4 stars; one submission).

Submission:

Labcorp Genetics (formerly Invitae), Labcorp
Classification: Uncertain significance. Last evaluated: 2022-08-06. Review status: criteria provided, single submitter. Criteria: Invitae Variant Classification Sherloc (09022015). Collection method: clinical testing. Allele origin: germline.
Comment: This sequence change affects codon 424 of the HGF mRNA. It is a 'silent' change, meaning that it does not change the encoded amino acid sequence of the HGF protein. It affects a nucleotide within the consensus splice site. This variant is not present in population databases (gnomAD no frequency). This variant has not been reported in the literature in individuals affected with HGF-related conditions. Algorithms developed to predict the effect of sequence changes on RNA splicing suggest that this variant is not likely to affect RNA splicing. In summary, the available evidence is currently insufficient to determine the role of this variant in disease. Therefore, it has been classified as a Variant of Uncertain Significance.